The following is an entry in ClinVar:

ClinVar aggregate classification (germline): Benign/Likely benign. Review status: criteria provided, multiple submitters, no conflicts (2 of 4 stars). 4 submissions from 4 submitters: Benign (1); Likely benign (3). Last evaluated 2025-09-17.

Submissions (4):

Mayo Clinic Laboratories, Mayo Clinic
Classification: Benign. Last evaluated: 2025-09-17. Review status: criteria provided, single submitter. Criteria: ACMG Guidelines, 2015. Collection method: clinical testing. Allele origin: germline. Observed: 1 variant allele.
Comment: BS1, BS2, BP4, BP7

Laboratory of Genetics, Children's Clinical University Hospital Latvia
Classification: Likely benign. Last evaluated: 2025-02-16. Review status: criteria provided, single submitter. Criteria: ACMG Guidelines, 2015. Collection method: clinical testing. Allele origin: germline. Affected: yes.

Blueprint Genetics
Classification: Likely benign. Last evaluated: 2024-11-22. Review status: criteria provided, single submitter. Criteria: ACMG Guidelines, 2015. Collection method: clinical testing. Allele origin: germline.

GeneDx
Classification: Likely benign. Last evaluated: 2019-08-18. Review status: criteria provided, single submitter. Criteria: GeneDx Variant Classification Process June 2021. Collection method: clinical testing. Allele origin: germline. Affected: yes.

NM_005219.5(DIAPH1):c.3149-25_3149-23dup

Gene: DIAPH1 (diaphanous related formin 1; minus strand). Cytogenetic location: 5q31.3.
Variant type: Duplication.
Coding change: c.3149-25_3149-23dup on transcript NM_005219.5 (MANE Select); 25 bases into the intron before coding-DNA position 3149 through 23 bases into the intron before coding-DNA position 3149, 3 bases duplicated (TTT; older notation c.3149-25_3149-23dupTTT).
Molecular consequence: intron variant.
Genome position (GRCh38, 1-based): chr5:141,527,700-141,527,702, AAA duplicated on the plus strand (TTT on the coding strand, the reverse complement: DIAPH1 is on the minus strand); duplicating any 3 consecutive bases within chr5:141,527,700-141,527,722 gives the same sequence; the c. name uses the placement nearest the transcript's 3' end. VCF-style (leftmost placement, unchanged base first): chr5-141527699-T-TAAA. GRCh37 (hg19) VCF-style: chr5-140907266-T-TAAA.
Other names: p.?; c.3149-5_3149-3dup (NM_005219.5); c.3122-25_3122-23dup (NM_001079812.3); c.3149-25_3149-23dup (NM_001314007.2).
Identifiers: ClinVar variation 1191157 (VCV001191157.5), dbSNP rs79558427, ClinGen allele CA3478853.